The following is an entry in ClinVar:

NM_015102.5(NPHP4):c.34G>A (p.Val12Met)

Gene: NPHP4 (nephrocystin 4; minus strand). Cytogenetic location: 1p36.31.
Variant type: single nucleotide variant.
Coding change: c.34G>A on transcript NM_015102.5 (MANE Select); coding-DNA position 34, G replaced by A.
Protein change: p.Val12Met; replaces valine 12 with methionine.
Molecular consequence: missense variant. On other transcripts: 5 prime UTR variant (1), non-coding transcript variant (1), intron variant (1).
Genome position (GRCh38, 1-based): chr1:5,986,256, C>T on the plus strand (G>A on the coding strand, the complement: NPHP4 is on the minus strand). VCF-style: chr1-5986256-C-T. GRCh37 (hg19) VCF-style: chr1-6046316-C-T.
Other names: c.-1196G>A (NM_001291593.2); c.-1088+5988G>A (NM_001291594.2); c.34G>A (NM_015102.3); short protein forms V12M.
Identifiers: ClinVar variation 497779 (VCV000497779.13), dbSNP rs201713171, ClinGen allele CA554961.

ClinVar aggregate classification (germline): Uncertain significance. Review status: criteria provided, multiple submitters, no conflicts (2 of 4 stars). 5 submissions from 5 submitters: Uncertain significance (5). Last evaluated 2026-09-14.

Conditions:
NPHP4-related disorder. Also called: NPHP4-related disorders; NPHP4-related condition. Identifiers: MedGen CN239384.
Inborn genetic diseases. Identifiers: MedGen C0950123, MeSH D030342.
Nephronophthisis. Also called: Juvenile Nephronophthisis. Identifiers: Orphanet 655, MedGen C0687120, MONDO:0019005, HP:0000090.
Senior-Loken syndrome 4 (SLSN4). Identifiers: Orphanet 3156, MedGen C1846979, MONDO:0011756, OMIM 606996.
Nephronophthisis 4 (NPHP4). Also called: NEPHRONOPHTHISIS 4, JUVENILE. Identifiers: Orphanet 655, MedGen C1847013, MONDO:0011752, OMIM 606966.

Allele frequency attached by ClinVar (database versions not stated): gnomAD exomes 0.00003 and 0.00006; ExAC 0.00008; TOPMed 0.00026; gnomAD 0.00027 and 0.00029; ESP Exome Variant Server 0.00040.
gnomAD v4.1: 78 of 1,613,738 alleles (0.0048%); highest among the groups gnomAD compares: African/African-American, 0.093%; no homozygotes.

Submissions (5):

PreventionGenetics, part of Exact Sciences
Classification: Uncertain significance for NPHP4-related condition. Last evaluated: 2026-09-14. Review status: criteria provided, single submitter. Criteria: ACMG Guidelines, 2015. Collection method: clinical testing. Allele origin: germline.
Comment: The NPHP4 c.34G>A variant is predicted to result in the amino acid substitution p.Val12Met. To our knowledge, this variant has not been reported in the literature. This variant is reported in 0.091% of alleles in individuals of African descent in gnomAD, which may be too frequent to be a primary cause of disease. At this time, the clinical significance of this variant is uncertain due to the absence of conclusive functional and genetic evidence.

Fulgent Genetics
Classification: Uncertain significance for Nephronophthisis 4; Senior-Loken syndrome 4. Last evaluated: 2024-01-04. Review status: criteria provided, single submitter. Criteria: ACMG Guidelines, 2015. Collection method: clinical testing. Allele origin: germline.

Labcorp Genetics (formerly Invitae), Labcorp
Classification: Uncertain significance for Nephronophthisis. Last evaluated: 2023-11-15. Review status: criteria provided, single submitter. Criteria: Invitae Variant Classification Sherloc (09022015). Collection method: clinical testing. Allele origin: germline.
Comment: This sequence change replaces valine, which is neutral and non-polar, with methionine, which is neutral and non-polar, at codon 12 of the NPHP4 protein (p.Val12Met). This variant is present in population databases (rs201713171, gnomAD 0.09%). This variant has not been reported in the literature in individuals affected with NPHP4-related conditions. ClinVar contains an entry for this variant (Variation ID: 497779). An algorithm developed to predict the effect of missense changes on protein structure and function (PolyPhen-2) suggests that this variant is likely to be disruptive. In summary, the available evidence is currently insufficient to determine the role of this variant in disease. Therefore, it has been classified as a Variant of Uncertain Significance.

Ambry Genetics
Classification: Uncertain significance for Inborn genetic diseases. Last evaluated: 2021-10-21. Review status: criteria provided, single submitter. Criteria: Ambry Variant Classification Scheme 2023. Collection method: clinical testing. Allele origin: germline.

Eurofins Ntd Llc (ga)
Classification: Uncertain significance. Last evaluated: 2017-07-18. Review status: criteria provided, single submitter. Criteria: EGL Classification Definitions 2015. Collection method: clinical testing. Allele origin: germline. Observed: 2 variant alleles, 2 heterozygotes.